The following is an entry in ClinVar:

NM_001122630.2(CDKN1C):c.132del (p.Glu45fs)

Gene: CDKN1C (cyclin dependent kinase inhibitor 1C; minus strand). Cytogenetic location: 11p15.4.
Variant type: Deletion.
Coding change: c.132del on transcript NM_001122630.2 (MANE Select); coding-DNA position 132, one base deleted (C; older notation c.132delC).
Protein change: p.Glu45fs; shifts the reading frame from glutamic acid 45.
Molecular consequence: frameshift variant.
Genome position (GRCh38, 1-based): chr11:2,885,325, G deleted on the plus strand (C on the coding strand, the reverse complement: CDKN1C is on the minus strand); the first of 2 consecutive G bases (chr11:2,885,325-2,885,326); deleting either gives the same sequence. VCF-style (leftmost placement, unchanged base first): chr11-2885324-CG-C. GRCh37 (hg19) VCF-style: chr11-2906554-CG-C.
Other names: c.132del, p.Glu45fs (NM_001122631.2, NM_001362475.2); c.165del, p.Glu56fs (NM_001362474.2, NM_000076.2); short protein forms E45fs, E56fs.
Identifiers: ClinVar variation 1454500 (VCV001454500.6), dbSNP rs2133786067, ClinGen allele CA2573145966.
Genomic context (GRCh38, chr11:2,885,324, plus strand): 5'-GTCCAGGGCCCCGCAGCGGCATGTCCTGCTGGAAGTCGTAATCCCAGCGGTTCTGGTCCT[CG>C]GCGTTCAGCTCGGCCAGGCGGGCCTGCAGCTCGCGGCTCAGCTCCTCGTGGTCCACCGGC-3'

ClinVar aggregate classification (germline): Pathogenic (1 of 4 stars; one submission).

Conditions:
Beckwith-Wiedemann syndrome (BWS). Also called: EMG SYNDROME; Exomphalos macroglossia gigantism syndrome. Identifiers: Orphanet 116, MedGen C0004903, MONDO:0007534, OMIM 130650.

Submission:

Labcorp Genetics (formerly Invitae), Labcorp
Classification: Pathogenic for Beckwith-Wiedemann syndrome. Last evaluated: 2022-01-12. Review status: criteria provided, single submitter. Criteria: Invitae Variant Classification Sherloc (09022015). Collection method: clinical testing. Allele origin: germline.
Comment: For these reasons, this variant has been classified as Pathogenic. This variant disrupts a region of the CDKN1C protein in which other variant(s) (p.Arg282*) have been determined to be pathogenic (PMID: 10424811, 19386358, 26077438). This suggests that this is a clinically significant region of the protein, and that variants that disrupt it are likely to be disease-causing. This variant has not been reported in the literature in individuals affected with CDKN1C-related conditions. This variant is not present in population databases (gnomAD no frequency). This sequence change creates a premature translational stop signal (p.Glu56Argfs*216) in the CDKN1C gene. While this is not anticipated to result in nonsense mediated decay, it is expected to disrupt the last 261 amino acid(s) of the CDKN1C protein.

Literature cited by the submitters: PubMed 10424811; PubMed 19386358; PubMed 26077438.